The following is an entry in ClinVar:

ClinVar aggregate classification (germline): Likely benign. Review status: criteria provided, multiple submitters, no conflicts (2 of 4 stars). 2 submissions from 2 submitters: Likely benign (2). Last evaluated 2025-07-27.

Conditions:
Welander distal myopathy (WDM). Also called: MUSCULAR DYSTROPHY, DISTAL, LATE-ONSET, AUTOSOMAL DOMINANT; Welander distal myopathy, Swedish type; Distal myopathy, Swedish type; Gower's muscular dystrophy. Identifiers: Orphanet 603, MedGen C0221054, MONDO:0011466, OMIM 604454.

Allele frequency attached by ClinVar (database versions not stated): ExAC 0.00007; ESP Exome Variant Server 0.00008; gnomAD exomes 0.00008 and 0.00011; TOPMed 0.00008; gnomAD 0.00009.
gnomAD v4.1: 167 of 1,613,626 alleles (0.01%); highest among the groups gnomAD compares: Non-Finnish European, 0.014%; no homozygotes.

Submissions (2):

Labcorp Genetics (formerly Invitae), Labcorp
Classification: Likely benign for Welander distal myopathy. Last evaluated: 2025-07-27. Review status: criteria provided, single submitter. Criteria: Invitae Variant Classification Sherloc (09022015). Collection method: clinical testing. Allele origin: germline.

CeGaT Center for Human Genetics Tuebingen
Classification: Likely benign. Last evaluated: 2025-07-01. Review status: criteria provided, single submitter. Criteria: CeGaT Center For Human Genetics Tuebingen Variant Classification Criteria Version 2. Collection method: clinical testing. Allele origin: germline. Affected: yes. Observed: 2 variant alleles.
Comment: TIA1: BP4, BP7

NM_022173.4(TIA1):c.918T>C (p.Tyr306=)

Gene: TIA1 (TIA1 cytotoxic granule associated RNA binding protein; minus strand). Cytogenetic location: 2p13.3.
Variant type: single nucleotide variant.
Coding change: c.918T>C on transcript NM_022173.4 (MANE Select); coding-DNA position 918, T replaced by C.
Protein change: p.Tyr306=; no amino-acid change (tyrosine 306 retained).
Molecular consequence: synonymous variant. On other transcripts: non-coding transcript variant (17).
Genome position (GRCh38, 1-based): chr2:70,214,465, A>G on the plus strand (T>C on the coding strand, the complement: TIA1 is on the minus strand). VCF-style: chr2-70214465-A-G. GRCh37 (hg19) VCF-style: chr2-70441597-A-G.
Other names: c.915T>C, p.Tyr305= (NM_001351508.2); c.891T>C, p.Tyr297= (NM_001351509.2); c.882T>C, p.Tyr294= (NM_001351510.2); c.807T>C, p.Tyr269= (NM_001351511.1); c.780T>C, p.Tyr260= (NM_001351512.1); c.774T>C, p.Tyr258= (NM_001351513.1); c.690T>C, p.Tyr230= (NM_001351514.2); c.615T>C, p.Tyr205= (NM_001351515.2); and 3 more.
Identifiers: ClinVar variation 788229 (VCV000788229.34), dbSNP rs373992720, ClinGen allele CA1697442.